The following is an entry in ClinVar:

ClinVar aggregate classification (germline): Benign (1 of 4 stars; one submission).

Allele frequency attached by ClinVar (database versions not stated): gnomAD 0.15213 and 0.15737; TOPMed 0.15943; 1000 Genomes Project 30x 0.24001; 1000 Genomes Project 0.24241.

Submission:

GeneDx
Classification: Benign. Last evaluated: 2018-06-18. Review status: criteria provided, single submitter. Criteria: GeneDx Variant Classification (06012015). Collection method: clinical testing. Allele origin: germline. Affected: yes.
Comment: This variant is considered likely benign or benign based on one or more of the following criteria: it is a conservative change, it occurs at a poorly conserved position in the protein, it is predicted to be benign by multiple in silico algorithms, and/or has population frequency not consistent with disease.

NM_001130438.3(SPTAN1):c.1222-247G>A

Gene: SPTAN1 (spectrin alpha, non-erythrocytic 1; plus strand). Cytogenetic location: 9q34.11.
Variant type: single nucleotide variant.
Coding change: c.1222-247G>A on transcript NM_001130438.3 (MANE Select); 247 bases into the intron before coding-DNA position 1222, G replaced by A.
Molecular consequence: intron variant.
Genome position (GRCh38, 1-based): chr9:128,579,390, G>A. VCF-style: chr9-128579390-G-A. GRCh37 (hg19) VCF-style: chr9-131341669-G-A.
Other names: c.1222-247G>A (NM_001363759.2, NM_003127.4, NM_001363765.2 and 1 more transcripts).
Identifiers: ClinVar variation 670132 (VCV000670132.1), dbSNP rs7046238, ClinGen allele CA13020756.